The following is an entry in ClinVar:

ClinVar aggregate classification (germline): Likely pathogenic (0 of 4 stars; one submission).

Conditions:
SIM1-related disorder. Also called: SIM1-related condition; SIM1-related disorders.

Submission:

PreventionGenetics, part of Exact Sciences
Classification: Likely pathogenic for SIM1-related condition. Last evaluated: 2024-07-30. Review status: no assertion criteria provided. Collection method: clinical testing. Allele origin: germline.
Comment: The SIM1 c.106C>T variant is predicted to result in premature protein termination (p.Gln36*). This variant was reported in the heterozygous state in a father and daughter with hyperphagia and severe early onset obesity (Akıncı et al. 2019. PubMed ID: 30991789). Of note, this variant is located in the bHLH domain of SIM1 and is predicted to influence DNA dimerization and binding (Akıncı et al. 2019. PubMed ID: 30991789). This variant has not been reported in gnomAD, indicating this variant is rare. Nonsense variants in SIM1 are expected to be pathogenic. This variant is interpreted as likely pathogenic.

NM_005068.3(SIM1):c.106C>T (p.Gln36Ter)

Gene: SIM1 (SIM bHLH transcription factor 1; minus strand). Cytogenetic location: 6q16.3.
Variant type: single nucleotide variant.
Coding change: c.106C>T on transcript NM_005068.3 (MANE Select); coding-DNA position 106, C replaced by T.
Protein change: p.Gln36Ter; replaces glutamine 36 with a stop codon.
Molecular consequence: nonsense.
Genome position (GRCh38, 1-based): chr6:100,463,363, G>A on the plus strand (C>T on the coding strand, the complement: SIM1 is on the minus strand). VCF-style: chr6-100463363-G-A. GRCh37 (hg19) VCF-style: chr6-100911239-G-A.
Other names: c.106C>T, p.Gln36Ter (NM_001374769.1); short protein forms Q36*.
Identifiers: ClinVar variation 3347931 (VCV003347931.1).